The following is an entry in ClinVar:

ClinVar aggregate classification (germline): Likely pathogenic (1 of 4 stars; one submission).

Conditions:
Developmental and epileptic encephalopathy, 23 (DEE23). Also called: Epileptic encephalopathy, early infantile, 23. Identifiers: Orphanet 411986, MedGen C4014492, MONDO:0014371, OMIM 615859.

Submission:

Institute of Human Genetics, University of Leipzig Medical Center
Classification: Likely pathogenic for Developmental and epileptic encephalopathy, 23. Last evaluated: 2019-01-01. Review status: criteria provided, single submitter. Criteria: ACMG Guidelines, 2015. Collection method: clinical testing. Allele origin: unknown. Affected: yes.
Comment: This variant was identified as compound heterozygous.

NM_001367561.1(DOCK7):c.2977T>C (p.Trp993Arg)

Gene: DOCK7 (dedicator of cytokinesis 7; minus strand). Cytogenetic location: 1p31.3.
Variant type: single nucleotide variant.
Coding change: c.2977T>C on transcript NM_001367561.1 (MANE Select); coding-DNA position 2977, T replaced by C.
Protein change: p.Trp993Arg; replaces tryptophan 993 with arginine.
Molecular consequence: missense variant.
Genome position (GRCh38, 1-based): chr1:62,542,676, A>G on the plus strand (T>C on the coding strand, the complement: DOCK7 is on the minus strand). VCF-style: chr1-62542676-A-G. GRCh37 (hg19) VCF-style: chr1-63008347-A-G.
Other names: c.2977T>C, p.Trp993Arg (NM_001271999.2, NM_001330614.2); c.2884T>C, p.Trp962Arg (NM_001272000.2, NM_001272001.2, NM_033407.4); short protein forms W962R, W993R.
Identifiers: ClinVar variation 982642 (VCV000982642.1), dbSNP rs1645575152, ClinGen allele CA340613466.